The following is an entry in ClinVar:

ClinVar aggregate classification (germline): Conflicting classifications of pathogenicity. Review status: criteria provided, conflicting classifications (1 of 4 stars). 2 submissions from 2 submitters: Likely pathogenic (1); Uncertain significance (1). Last evaluated 2026-01-26.

Conditions:
RYR1-related disorder. Also called: RYR1-related disorders; RYR1-related condition. Identifiers: MedGen CN239331.

Allele frequency attached by ClinVar (database versions not stated): gnomAD exomes below 0.00001; ExAC 0.00001.
gnomAD v4.1: 6 of 1,613,970 alleles (0.00037%); highest among the groups gnomAD compares: Non-Finnish European, 0.00051%; no homozygotes.

Submissions (2):

Labcorp Genetics (formerly Invitae), Labcorp
Classification: Likely pathogenic for RYR1-related disorder. Last evaluated: 2026-01-26. Review status: criteria provided, single submitter. Criteria: Invitae Variant Classification Sherloc (09022015). Collection method: clinical testing. Allele origin: germline.
Comment: This sequence change replaces aspartic acid, which is acidic and polar, with tyrosine, which is neutral and polar, at codon 3501 of the RYR1 protein (p.Asp3501Tyr). This variant is present in population databases (rs763259167, gnomAD 0.0009%). This missense change has been observed in individual(s) with malignant hyperthermia (PMID: 20681998). ClinVar contains an entry for this variant (Variation ID: 1498791). Invitae Evidence Modeling of protein sequence and biophysical properties (such as structural, functional, and spatial information, amino acid conservation, physicochemical variation, residue mobility, and thermodynamic stability) indicates that this missense variant is not expected to disrupt RYR1 protein function with a negative predictive value of 80%. In summary, the currently available evidence indicates that the variant is pathogenic, but additional data are needed to prove that conclusively. Therefore, this variant has been classified as Likely Pathogenic.

CeGaT Center for Human Genetics Tuebingen
Classification: Uncertain significance. Last evaluated: 2022-09-01. Review status: criteria provided, single submitter. Criteria: CeGaT Center For Human Genetics Tuebingen Variant Classification Criteria Version 2. Collection method: clinical testing. Allele origin: germline. Affected: yes. Observed: 1 variant allele.

Literature cited by the submitters: PubMed 20681998 (cited by Labcorp Genetics (formerly Invitae), Labcorp).

NM_000540.3(RYR1):c.10501G>T (p.Asp3501Tyr)

Gene: RYR1 (ryanodine receptor 1; plus strand). Cytogenetic location: 19q13.2.
Variant type: single nucleotide variant.
Coding change: c.10501G>T on transcript NM_000540.3 (MANE Select); coding-DNA position 10501, G replaced by T.
Protein change: p.Asp3501Tyr; replaces aspartic acid 3501 with tyrosine.
Molecular consequence: missense variant.
Genome position (GRCh38, 1-based): chr19:38,525,377, G>T. VCF-style: chr19-38525377-G-T. GRCh37 (hg19) VCF-style: chr19-39016017-G-T.
Other names: c.10486G>T, p.Asp3496Tyr (NM_001042723.2); short protein forms D3501Y, D3496Y.
Identifiers: ClinVar variation 1498791 (VCV001498791.37), dbSNP rs763259167, ClinGen allele CA053908.
Genomic context (GRCh38, chr19:38,525,377, plus strand): 5'-CCTGTGTCCCCACAGTCCGGTGGCTCGGACCAGGAACGCACCAAGAAGAAGCGCCGGGGG[G>T]ACCGGTACTCTGTGCAGACGTCACTGATCGTGGCCACACTGAAGAAGATGCTGCCCATCG-3'
Protein context (NP_000531.2, residues 3491-3511): QERTKKKRRG[Asp3501Tyr]RYSVQTSLIV